The following is an entry in ClinVar:

NM_001197104.2(KMT2A):c.4315A>C (p.Ser1439Arg)

Gene: KMT2A (lysine methyltransferase 2A; plus strand). Cytogenetic location: 11q23.3.
Variant type: single nucleotide variant.
Coding change: c.4315A>C on transcript NM_001197104.2 (MANE Select); coding-DNA position 4315, A replaced by C.
Protein change: p.Ser1439Arg; replaces serine 1439 with arginine.
Molecular consequence: missense variant.
Genome position (GRCh38, 1-based): chr11:118,484,958, A>C. VCF-style: chr11-118484958-A-C. GRCh37 (hg19) VCF-style: chr11-118355673-A-C.
Other names: c.4414A>C, p.Ser1472Arg (NM_001412597.1); c.4315A>C, p.Ser1439Arg (NM_005933.4); short protein forms S1472R, S1439R.
Identifiers: ClinVar variation 1930253 (VCV001930253.5), dbSNP rs1555040470, ClinGen allele CA382831016.

ClinVar aggregate classification (germline): Uncertain significance (1 of 4 stars; one submission).

Submission:

Labcorp Genetics (formerly Invitae), Labcorp
Classification: Uncertain significance. Last evaluated: 2021-12-21. Review status: criteria provided, single submitter. Criteria: Invitae Variant Classification Sherloc (09022015). Collection method: clinical testing. Allele origin: germline.
Comment: In summary, the available evidence is currently insufficient to determine the role of this variant in disease. Therefore, it has been classified as a Variant of Uncertain Significance. Advanced modeling of protein sequence and biophysical properties (such as structural, functional, and spatial information, amino acid conservation, physicochemical variation, residue mobility, and thermodynamic stability) performed at Invitae indicates that this missense variant is expected to disrupt KMT2A protein function. This variant has not been reported in the literature in individuals affected with KMT2A-related conditions. This variant is not present in population databases (gnomAD no frequency). This sequence change replaces serine, which is neutral and polar, with arginine, which is basic and polar, at codon 1439 of the KMT2A protein (p.Ser1439Arg).